The following is an entry in ClinVar:

ClinVar aggregate classification (germline): Pathogenic (1 of 4 stars; one submission).

Conditions:
Arrhythmogenic right ventricular dysplasia 12. Also called: ARRHYTHMOGENIC RIGHT VENTRICULAR DYSPLASIA, FAMILIAL, 12. Identifiers: MedGen C1969081, MONDO:0012684, OMIM 611528.
Naxos disease (NXD). Also called: KERATOSIS PALMOPLANTARIS WITH ARRHYTHMOGENIC CARDIOMYOPATHY; MAL DE NAXOS; PALMOPLANTAR KERATODERMA WITH ARRHYTHMOGENIC RIGHT VENTRICULAR CARDIOMYOPATHY AND WOOLLY HAIR; WOOLLY HAIR, PALMOPLANTAR KERATODERMA, AND CARDIAC ABNORMALITIES; CARDIOMYOPATHY, ARRHYTHMOGENIC RIGHT VENTRICULAR, WITH SKIN, HAIR, AND NAIL ABNORMALITIES. Identifiers: Orphanet 34217, MedGen C1832600, MONDO:0011017, OMIM 601214.

Submission:

Labcorp Genetics (formerly Invitae), Labcorp
Classification: Pathogenic for Arrhythmogenic right ventricular dysplasia 12; Naxos disease. Last evaluated: 2025-01-07. Review status: criteria provided, single submitter. Criteria: Invitae Variant Classification Sherloc (09022015). Collection method: clinical testing. Allele origin: germline.
Comment: This sequence change creates a premature translational stop signal (p.Leu376Cysfs*18) in the JUP gene. It is expected to result in an absent or disrupted protein product. Loss-of-function variants in JUP are known to be pathogenic (PMID: 10902626). This variant is not present in population databases (gnomAD no frequency). This variant has not been reported in the literature in individuals affected with JUP-related conditions. For these reasons, this variant has been classified as Pathogenic.

Literature cited by the submitters: PubMed 10902626.

NM_002230.4(JUP):c.1126del (p.Leu376fs)

Gene: JUP (junction plakoglobin; minus strand). Cytogenetic location: 17q21.2.
Variant type: Deletion.
Coding change: c.1126del on transcript NM_002230.4 (MANE Select); coding-DNA position 1126, one base deleted (C; older notation c.1126delC).
Protein change: p.Leu376fs; shifts the reading frame from leucine 376.
Molecular consequence: frameshift variant.
Genome position (GRCh38, 1-based): chr17:41,764,745, G deleted on the plus strand (C on the coding strand, the reverse complement: JUP is on the minus strand); the first of 3 consecutive G bases (chr17:41,764,745-41,764,747); deleting any one gives the same sequence. VCF-style (leftmost placement, unchanged base first): chr17-41764744-AG-A. GRCh37 (hg19) VCF-style: chr17-39920996-AG-A.
Other names: c.1126del, p.Leu376fs (NM_001352773.2, NM_001352774.2, NM_001352775.2 and 3 more transcripts); short protein forms L376fs.
Identifiers: ClinVar variation 3759559 (VCV003759559.2).